The following is an entry in ClinVar:

NM_004656.4(BAP1):c.1411G>A (p.Ala471Thr)

Gene: BAP1 (BRCA1 associated deubiquitinase 1; minus strand). Cytogenetic location: 3p21.1.
Variant type: single nucleotide variant.
Coding change: c.1411G>A on transcript NM_004656.4 (MANE Select); coding-DNA position 1411, G replaced by A.
Protein change: p.Ala471Thr; replaces alanine 471 with threonine.
Molecular consequence: missense variant.
Genome position (GRCh38, 1-based): chr3:52,403,734, C>T on the plus strand (G>A on the coding strand, the complement: BAP1 is on the minus strand). VCF-style: chr3-52403734-C-T. GRCh37 (hg19) VCF-style: chr3-52437750-C-T.
Other names: c.1411G>A (NM_004656.2); short protein forms A471T.
Identifiers: ClinVar variation 926819 (VCV000926819.6), dbSNP rs946145283, ClinGen allele CA74740827.

ClinVar aggregate classification (germline): Uncertain significance. Review status: criteria provided, multiple submitters, no conflicts (2 of 4 stars). 2 submissions from 2 submitters: Uncertain significance (2). Last evaluated 2023-12-05.

Conditions:
Hereditary cancer-predisposing syndrome. Also called: Neoplastic Syndromes, Hereditary; Tumor predisposition; Hereditary Cancer Syndrome; Hereditary neoplastic syndrome. Identifiers: Orphanet 140162, MedGen C0027672, MeSH D009386, MONDO:0015356.

Allele frequency attached by ClinVar (database versions not stated): gnomAD 0.00001; TOPMed 0.00001.
gnomAD v4.1: 2 of 1,613,924 alleles (0.00012%); highest among the groups gnomAD compares: African/African-American, 0.0027%; no homozygotes.

Submissions (2):

Color Diagnostics, LLC DBA Color Health
Classification: Uncertain significance for Hereditary cancer-predisposing syndrome. Last evaluated: 2023-12-05. Review status: criteria provided, single submitter. Criteria: ACMG Guidelines, 2015. Collection method: clinical testing. Allele origin: germline.
Comment: This missense variant replaces alanine with threonine at codon 471 of the BAP1 protein. Computational prediction suggests that this variant may not impact protein structure and function (internally defined REVEL score threshold <= 0.5, PMID: 27666373). To our knowledge, functional studies have not been reported for this variant. This variant has not been reported in individuals affected with BAP1-related disorders in the literature. This variant has been identified in 1/31362 chromosomes in the general population by the Genome Aggregation Database (gnomAD). The available evidence is insufficient to determine the role of this variant in disease conclusively. Therefore, this variant is classified as a Variant of Uncertain Significance.

Ambry Genetics
Classification: Uncertain significance for Hereditary cancer-predisposing syndrome. Last evaluated: 2023-04-22. Review status: criteria provided, single submitter. Criteria: Ambry Variant Classification Scheme 2023. Collection method: clinical testing. Allele origin: germline.
Comment: The p.A471T variant (also known as c.1411G>A), located in coding exon 13 of the BAP1 gene, results from a G to A substitution at nucleotide position 1411. The alanine at codon 471 is replaced by threonine, an amino acid with similar properties. This amino acid position is conserved. In addition, this alteration is predicted to be tolerated by in silico analysis. Since supporting evidence is limited at this time, the clinical significance of this alteration remains unclear.